The following is an entry in ClinVar:

ClinVar aggregate classification (germline): Conflicting classifications of pathogenicity. Review status: criteria provided, conflicting classifications (1 of 4 stars). 16 submissions from 16 submitters: Pathogenic (3); Likely pathogenic (7); Uncertain significance (5). 1 of the submissions does not count toward it. Last evaluated 2026-03-30.

Conditions:
Galactosylceramide beta-galactosidase deficiency. Also called: Leukodystrophy, Globoid Cell; Krabbe Disease; GALACTOCEREBROSIDASE DEFICIENCY; GALC DEFICIENCY; GLOBOID CELL LEUKOENCEPHALOPATHY. Identifiers: Orphanet 487, MedGen C0023521, MONDO:0009499, OMIM 245200.
Inborn genetic diseases. Identifiers: MedGen C0950123, MeSH D030342.

Allele frequency attached by ClinVar (database versions not stated): gnomAD 0.00004 and 0.00007; TOPMed 0.00004; 1000 Genomes Project 30x 0.00016; ExAC 0.00017; gnomAD exomes 0.00019; 1000 Genomes Project 0.00020.
gnomAD v4.1: 121 of 1,613,206 alleles (0.0075%); highest among the groups gnomAD compares: South Asian, 0.072%; 2 homozygotes.

Submissions (16):

GeneDx
Classification: Uncertain significance. Last evaluated: 2026-03-30. Review status: criteria provided, single submitter. Criteria: GeneDx Variant Classification Process June 2021. Collection method: clinical testing. Allele origin: germline.
Comment: The significance of this variant, alone or in cis with another variant is not clear at present (PMID: 27638593); In silico analysis suggests that this missense variant does not alter protein structure/function; Also known as p.(V665M); This variant is associated with the following publications: (PMID: 34426522, 31589614, 36161165, 36341094, 23462331, 31885218, 35419325, 27638593, 41414721, 38693247, 41520097, 39878400, 40355959, 38532509, 41271696)

Labcorp Genetics (formerly Invitae), Labcorp
Classification: Pathogenic for Galactosylceramide beta-galactosidase deficiency. Last evaluated: 2026-01-19. Review status: criteria provided, single submitter. Criteria: Invitae Variant Classification Sherloc (09022015). Collection method: clinical testing. Allele origin: germline.
Comment: This sequence change replaces valine, which is neutral and non-polar, with methionine, which is neutral and non-polar, at codon 681 of the GALC protein (p.Val681Met). This variant is present in population databases (rs200607029, gnomAD 0.1%). This missense change has been observed in individual(s) with Krabbe disease (PMID: 23462331, 31885218). In at least one individual the data is consistent with being in trans (on the opposite chromosome) from a pathogenic variant. ClinVar contains an entry for this variant (Variation ID: 208291). Invitae Evidence Modeling of protein sequence and biophysical properties (such as structural, functional, and spatial information, amino acid conservation, physicochemical variation, residue mobility, and thermodynamic stability) indicates that this missense variant is expected to disrupt GALC protein function with a positive predictive value of 80%. For these reasons, this variant has been classified as Pathogenic.

3billion
Classification: Pathogenic for Galactosylceramide beta-galactosidase deficiency. Last evaluated: 2025-12-31. Review status: criteria provided, single submitter. Criteria: ACMG Guidelines, 2015. Collection method: clinical testing. Allele origin: germline. Affected: yes.
Comment: The variant is observed at an extremely low frequency in the gnomAD v4.1.0 dataset (total allele frequency: 0.008%). Predicted Consequence/Location: Missense variant In silico tool predictions suggest damaging effect of the variant on gene or gene product [REVEL: 0.71 (>=0.6, sensitivity 0.68 and specificity 0.92)]. The same nucleotide change resulting in the same amino acid change has been previously reported as pathogenic/likely pathogenic with strong evidence (ClinVar ID: VCV000208291 /PMID: 23462331 /3billion dataset). The variant has been reported to be in trans with a pathogenic variant as either compound heterozygous or homozygous in at least 2 similarly affected unrelated individuals (PMID: 23462331, 31885218). Different missense changes at the same codon (p.Val681Ala, p.Val681Gly) have been reported as pathogenic/likely pathogenic with strong evidence (ClinVar ID: VCV002163543, VCV002799243). Therefore, this variant is classified as Pathogenic according to the recommendation of ACMG/AMP guideline.

Natera, Inc.
Classification: Likely pathogenic for Galactosylceramide beta-galactosidase deficiency. Last evaluated: 2025-10-07. Review status: criteria provided, single submitter. Criteria: Natera Variant Classification Schema (03/2026). Collection method: clinical testing. Allele origin: germline.
Comment: The c.2041G>A variant in GALC is a missense variant predicted to cause substitution of valine to methionine at amino acid 681. This variant is rare in the general population with a frequency below the threshold expected for the associated phenotype(s). This variant has been observed in one or more individuals affected with the associated recessive disease, as either homozygous or compound heterozygous with a second variant (PMID: 40355959, 35419325, 31885218, 23462331). This variant has been identified in one or more affected individual with a phenotype highly consistent with the associated gene (PMID: 35419325, 23462331). Computational prediction algorithms indicate this variant is likely to affect gene or protein function. Given the available evidence, this variant is classified as Likely Pathogenic.

Women's Health and Genetics/Laboratory Corporation of America, LabCorp
Classification: Likely pathogenic for Galactosylceramide beta-galactosidase deficiency. Last evaluated: 2025-08-15. Review status: criteria provided, single submitter. Criteria: LabCorp Variant Classification Summary - May 2015. Collection method: clinical testing. Allele origin: germline.
Comment: Variant summary: GALC c.2041G>A (p.Val681Met) results in a conservative amino acid change in the encoded protein sequence. Algorithms developed to predict the effect of missense changes on protein structure and function are either unavailable or do not agree on the potential impact of this missense change. The variant allele was found at a frequency of 0.00019 in 248920 control chromosomes. This frequency is not significantly higher than estimated for a pathogenic variant in GALC causing Krabbe Disease (0.00019 vs 0.0022), allowing no conclusion about variant significance. c.2041G>A has been reported in the literature as a compound heterozygous genotype in two individuals affected with adult onset presentations of Krabbe Disease (example, Yang_2013, Xie_2020) and one case of Krabbe Diasese diagnosed at newborn screening (Li_2022). These data indicate that the variant may be associated with disease. The following publications have been ascertained in the context of this evaluation (PMID: 35419325, 27638593, 31885218, 23462331, 38693247). ClinVar contains an entry for this variant (Variation ID: 208291). Based on the evidence outlined above, the variant was classified as likely pathogenic.

CeGaT Center for Human Genetics Tuebingen
Classification: Uncertain significance. Last evaluated: 2025-04-01. Review status: criteria provided, single submitter. Criteria: CeGaT Center For Human Genetics Tuebingen Variant Classification Criteria Version 2. Collection method: clinical testing. Allele origin: germline. Affected: yes. Observed: 2 variant alleles.
Comment: GALC: PM3, PM2:Supporting

Revvity Omics, Revvity
Classification: Uncertain significance. Last evaluated: 2024-12-04. Review status: criteria provided, single submitter. Criteria: ACMG Guidelines, 2015. Collection method: clinical testing. Allele origin: germline.

Blueprint Genetics
Classification: Uncertain significance. Last evaluated: 2024-11-11. Review status: criteria provided, single submitter. Criteria: ACMG Guidelines, 2015. Collection method: clinical testing. Allele origin: germline.

Ambry Genetics
Classification: Uncertain significance for Inborn genetic diseases. Last evaluated: 2024-08-01. Review status: criteria provided, single submitter. Criteria: Ambry Variant Classification Scheme 2023. Collection method: clinical testing. Allele origin: germline.

Fulgent Genetics
Classification: Likely pathogenic for Galactosylceramide beta-galactosidase deficiency. Last evaluated: 2024-03-29. Review status: criteria provided, single submitter. Criteria: ACMG Guidelines, 2015. Collection method: clinical testing. Allele origin: germline.

MGZ Medical Genetics Center
Classification: Pathogenic for Galactosylceramide beta-galactosidase deficiency. Last evaluated: 2022-02-24. Review status: criteria provided, single submitter. Criteria: ACMG Guidelines, 2015. Collection method: clinical testing. Allele origin: germline. Affected: yes. Observed: 6 variant alleles.
Comment: ACMG criteria applied: PS1, PS3, PM5, PM2_SUP, PP3

Soonchunhyang University Bucheon Hospital, Soonchunhyang University Medical Center
Classification: Likely pathogenic for Galactosylceramide beta-galactosidase deficiency. Last evaluated: 2016-03-18. Review status: criteria provided, single submitter. Criteria: ACMG Guidelines, 2015. Collection method: reference population. Allele origin: germline. Observed: 1 variant allele.

Baylor Genetics
Classification: Likely pathogenic for Galactosylceramide beta-galactosidase deficiency. Review status: criteria provided, single submitter. Criteria: ACMG Guidelines, 2015. Collection method: clinical testing. Allele origin: germline.

Juno Genomics, Hangzhou Juno Genomics, Inc
Classification: Likely pathogenic for Galactosylceramide beta-galactosidase deficiency. Review status: criteria provided, single submitter. Criteria: ACMG Guidelines, 2015. Collection method: clinical testing. Allele origin: germline.
Comment: Absent from controls (or at extremely low frequency if recessive) in Genome Aggregation Database.;Multiple lines of computational evidence support a deleterious effect on the gene or gene product.;For recessive disorders, detected in trans with a pathogenic variant.

Kariminejad - Najmabadi Pathology & Genetics Center
Classification: Likely pathogenic for Galactosylceramide beta-galactosidase deficiency. Review status: criteria provided, single submitter. Criteria: ACMG Guidelines, 2015. Collection method: clinical testing. Allele origin: germline. Affected: no.

ClinVar Staff, National Center for Biotechnology Information (NCBI)
Classification: Uncertain significance for Galactosylceramide beta-galactosidase deficiency. Last evaluated: 2013-06-27. Review status: no assertion criteria provided. Collection method: literature only. Allele origin: germline. Affected: yes. Not counted in ClinVar's aggregate classification.

Literature cited by the submitters: PubMed 23462331 (cited by 7 submitters); PubMed 31885218 (cited by 5 submitters); PubMed 40355959 (cited by Natera, Inc.); PubMed 35419325 (cited by Natera, Inc. and Women's Health and Genetics/Laboratory Corporation of America, LabCorp); PubMed 27638593 (cited by Women's Health and Genetics/Laboratory Corporation of America, LabCorp and Ambry Genetics); PubMed 38693247 (cited by Women's Health and Genetics/Laboratory Corporation of America, LabCorp).

NM_000153.4(GALC):c.2041G>A (p.Val681Met)

Gene: GALC (galactosylceramidase; minus strand). Cytogenetic location: 14q31.3.
Variant type: single nucleotide variant.
Coding change: c.2041G>A on transcript NM_000153.4 (MANE Select); coding-DNA position 2041, G replaced by A.
Protein change: p.Val681Met; replaces valine 681 with methionine.
Molecular consequence: missense variant.
Genome position (GRCh38, 1-based): chr14:87,934,749, C>T on the plus strand (G>A on the coding strand, the complement: GALC is on the minus strand). VCF-style: chr14-87934749-C-T. GRCh37 (hg19) VCF-style: chr14-88401093-C-T.
Other names: c.1972G>A, p.Val658Met (NM_001201401.2); c.1963G>A, p.Val655Met (NM_001201402.2); short protein forms V681M, V655M, V658M.
Identifiers: ClinVar variation 208291 (VCV000208291.65), dbSNP rs200607029, ClinGen allele CA350966.